The following is an entry in ClinVar:

NM_001035.3(RYR2):c.14694C>T (p.Phe4898=)

Gene: RYR2 (ryanodine receptor 2; plus strand). Cytogenetic location: 1q43.
Variant type: single nucleotide variant.
Coding change: c.14694C>T on transcript NM_001035.3 (MANE Select); coding-DNA position 14694, C replaced by T.
Protein change: p.Phe4898=; no amino-acid change (phenylalanine 4898 retained).
Molecular consequence: synonymous variant.
Genome position (GRCh38, 1-based): chr1:237,830,568, C>T. VCF-style: chr1-237830568-C-T. GRCh37 (hg19) VCF-style: chr1-237993868-C-T.
Other names: c.14694C>T, p.Phe4898= (LRG_402t1).
Identifiers: ClinVar variation 386102 (VCV000386102.17), dbSNP rs542501813, ClinGen allele CA085716.

ClinVar aggregate classification (germline): Likely benign. Review status: criteria provided, multiple submitters, no conflicts (2 of 4 stars). 5 submissions from 5 submitters: Likely benign (5). Last evaluated 2024-04-05.

Conditions:
Cardiovascular phenotype. Identifiers: MedGen CN230736.
Catecholaminergic polymorphic ventricular tachycardia 1. Also called: RYR2-Related Catecholaminergic Polymorphic Ventricular Tachycardia; VENTRICULAR TACHYCARDIA, STRESS-INDUCED POLYMORPHIC 1; VENTRICULAR TACHYCARDIA, CATECHOLAMINERGIC POLYMORPHIC, 1, WITH OR WITHOUT ATRIAL DYSFUNCTION AND/OR DILATED CARDIOMYOPATHY. Identifiers: Orphanet 3286, MedGen C1631597, MONDO:0011484, OMIM 604772.
Cardiomyopathy (CMYO). Also called: Cardiomyopathies. Identifiers: Orphanet 167848, MedGen C0878544, MONDO:0004994, HP:0001638. Inheritance: Various modes of inheritance.

Allele frequency attached by ClinVar (database versions not stated): gnomAD exomes 0.00001 and 0.00003; ExAC 0.00002; TOPMed 0.00002; gnomAD 0.00003; 1000 Genomes Project 0.00020; 1000 Genomes Project 30x 0.00031.
gnomAD v4.1: 45 of 1,611,114 alleles (0.0028%); highest among the groups gnomAD compares: East Asian, 0.0045%; no homozygotes.

Submissions (5):

Labcorp Genetics (formerly Invitae), Labcorp
Classification: Likely benign for Catecholaminergic polymorphic ventricular tachycardia 1. Last evaluated: 2024-04-05. Review status: criteria provided, single submitter. Criteria: Invitae Variant Classification Sherloc (09022015). Collection method: clinical testing. Allele origin: germline.

Blueprint Genetics
Classification: Likely benign. Last evaluated: 2024-03-27. Review status: criteria provided, single submitter. Criteria: ACMG Guidelines, 2015. Collection method: clinical testing. Allele origin: germline.

Color Diagnostics, LLC DBA Color Health
Classification: Likely benign for Cardiomyopathy. Last evaluated: 2023-05-31. Review status: criteria provided, single submitter. Criteria: ACMG Guidelines, 2015. Collection method: clinical testing. Allele origin: germline.

Ambry Genetics
Classification: Likely benign for Cardiovascular phenotype. Last evaluated: 2022-05-06. Review status: criteria provided, single submitter. Criteria: Ambry Variant Classification Scheme 2023. Collection method: clinical testing. Allele origin: germline.

GeneDx
Classification: Likely benign. Last evaluated: 2016-05-04. Review status: criteria provided, single submitter. Criteria: GeneDx Variant Classification (06012015). Collection method: clinical testing. Allele origin: germline. Affected: yes.
Comment: This variant is considered likely benign or benign based on one or more of the following criteria: it is a conservative change, it occurs at a poorly conserved position in the protein, it is predicted to be benign by multiple in silico algorithms, and/or has population frequency not consistent with disease.